The following is an entry in ClinVar:

ClinVar aggregate classification (germline): Uncertain significance (1 of 4 stars; one submission).

Submission:

GeneDx
Classification: Uncertain significance. Last evaluated: 2026-01-21. Review status: criteria provided, single submitter. Criteria: GeneDx Variant Classification Process June 2021. Collection method: clinical testing. Allele origin: germline.
Comment: Not observed at significant frequency in large population cohorts (gnomAD); In silico analysis supports that this missense variant has a deleterious effect on protein structure/function; Has not been previously published as pathogenic or benign to our knowledge; This variant is associated with the following publications: (PMID: 29493581)

NM_007373.4(SHOC2):c.440A>G (p.Asn147Ser)

Gene: SHOC2 (SHOC2 leucine rich repeat scaffold protein; plus strand). Cytogenetic location: 10q25.2.
Variant type: single nucleotide variant.
Coding change: c.440A>G on transcript NM_007373.4 (MANE Select); coding-DNA position 440, A replaced by G.
Protein change: p.Asn147Ser; replaces asparagine 147 with serine.
Molecular consequence: missense variant. On other transcripts: 5 prime UTR variant (1), non-coding transcript variant (1), intron variant (3).
Genome position (GRCh38, 1-based): chr10:110,964,798, A>G. VCF-style: chr10-110964798-A-G. GRCh37 (hg19) VCF-style: chr10-112724556-A-G.
Other names: c.440A>G, p.Asn147Ser (NM_001269039.3, NM_001324336.2, NM_001324337.2 and 4 more transcripts); c.-347A>G (NM_001441188.1); c.-380-20830A>G (NM_001441190.1); c.-249-20830A>G (NM_001441191.1); c.-242-35617A>G (NM_001441189.1); short protein forms N147S.
Identifiers: ClinVar variation 4975377 (VCV004975377.1).